The following is an entry in ClinVar:

ClinVar aggregate classification (germline): Uncertain significance (1 of 4 stars; one submission).

Submission:

Labcorp Genetics (formerly Invitae), Labcorp
Classification: Uncertain significance. Last evaluated: 2023-11-06. Review status: criteria provided, single submitter. Criteria: Invitae Variant Classification Sherloc (09022015). Collection method: clinical testing. Allele origin: germline.
Comment: This variant results in a copy number gain of the genomic region encompassing exon(s) 1-40 of the CPLANE1 gene. This region includes the initiator codon of the gene. This copy number gain extends beyond the assayed region for this gene and therefore may encompass additional genes. As the precise location of this event is unknown, it may be in tandem or it may be located elsewhere in the genome. This variant has not been reported in the literature in individuals affected with CPLANE1-related conditions. Experimental studies and prediction algorithms are not available or were not evaluated, and the functional significance of this variant is currently unknown. In summary, the available evidence is currently insufficient to determine the role of this variant in disease. Therefore, it has been classified as a Variant of Uncertain Significance.

NC_000005.9:g.(?_37157752)_(37371079_?)dup

Genes: CPLANE1 (ciliogenesis and planar polarity effector complex subunit 1; minus strand), NUP155 (nucleoporin 155; minus strand). Cytogenetic location: 5p13.2.
Variant type: Duplication.
Identifiers: ClinVar variation 1444991 (VCV001444991.5).